The following is an entry in ClinVar:

ClinVar aggregate classification (germline): Pathogenic (1 of 4 stars; one submission).

Conditions:
Asphyxiating thoracic dystrophy 3. Also called: Saldino-Noonan Syndrome; SHORT-RIB THORACIC DYSPLASIA 3 WITH OR WITHOUT POLYDACTYLY; POLYDACTYLY WITH NEONATAL CHONDRODYSTROPHY, TYPE I; SHORT-RIB THORACIC DYSPLASIA 3/6 WITH POLYDACTYLY, DIGENIC; Short rib polydactyly syndrome 2B. Identifiers: Orphanet 474, Orphanet 93269, Orphanet 93270, Orphanet 93271, MedGen C0036069, MONDO:0013127, OMIM 613091.

gnomAD v4.1: 9 of 1,612,706 alleles (0.00056%); highest among the groups gnomAD compares: South Asian, 0.0099%; no homozygotes.

Submission:

Myriad Genetics, Inc.
Classification: Pathogenic for Asphyxiating thoracic dystrophy 3. Last evaluated: 2025-03-01. Review status: criteria provided, single submitter. Criteria: Myriad Autosomal Dominant, Autosomal Recessive and X-Linked Classification Criteria (2023). Collection method: clinical testing. Allele origin: unknown.
Comment: NM_001377.2(DYNC2H1):c.941G>A(W314*) is expected to be pathogenic in the context of DYNC2H1-related disorders. This variant is predicted to lead to an abnormal or absent protein product due to the creation of a premature termination codon in DYNC2H1, a gene where loss-of-function variants are known to be pathogenic. Please note: this variant was assessed in the context of healthy population screening.

NM_001377.3(DYNC2H1):c.941G>A (p.Trp314Ter)

Gene: DYNC2H1 (dynein cytoplasmic 2 heavy chain 1; plus strand). Cytogenetic location: 11q22.3.
Variant type: single nucleotide variant.
Coding change: c.941G>A on transcript NM_001377.3 (MANE Select); coding-DNA position 941, G replaced by A.
Protein change: p.Trp314Ter; replaces tryptophan 314 with a stop codon.
Molecular consequence: nonsense.
Genome position (GRCh38, 1-based): chr11:103,117,805, G>A. VCF-style: chr11-103117805-G-A. GRCh37 (hg19) VCF-style: chr11-102988534-G-A.
Other names: c.941G>A, p.Trp314Ter (NM_001080463.2); short protein forms W314*.
Identifiers: ClinVar variation 5014161 (VCV005014161.1).
Genomic context (GRCh38, chr11:103,117,805, plus strand): 5'-GGGTGATAGTCTGTAATCATCTAACAGGTCAGGTGTGGCAGCGCTATGTTCCTCATCCAT[G>A]GAAAAATGAAAAATATTTTCCAGAAACACTTGACAAACTTGGCAAACGCCTTGAAGAGGT-3'